The following is an entry in ClinVar:

NM_001791.4(CDC42):c.105+229C>G

Gene: CDC42 (cell division cycle 42; plus strand). Cytogenetic location: 1p36.12.
Variant type: single nucleotide variant.
Coding change: c.105+229C>G on transcript NM_001791.4 (MANE Select); 229 bases into the intron after coding-DNA position 105, C replaced by G.
Molecular consequence: intron variant.
Genome position (GRCh38, 1-based): chr1:22,078,812, C>G. VCF-style: chr1-22078812-C-G. GRCh37 (hg19) VCF-style: chr1-22405305-C-G.
Other names: c.105+229C>G (NM_044472.3, NM_001039802.2).
Identifiers: ClinVar variation 1694499 (VCV001694499.31), dbSNP rs557013417, ClinGen allele CA675045.
Genomic context (GRCh38, chr1:22,078,812, plus strand): 5'-AAATCAGTGGAAAGTCAGAAGGGGTGACACAGGGTTTGCAAGAAGTGCTGGGAGGCAAAA[C>G]TCCAGTAGACAAGATTCTAACGAGTGGTGGTCTCAATTTGGTGAAGTATGCCCTACATCT-3'

ClinVar aggregate classification (germline): Benign (1 of 4 stars; one submission).

Allele frequency attached by ClinVar (database versions not stated): ExAC 0.00060; TOPMed 0.00072; gnomAD exomes 0.00085 and 0.00094; gnomAD 0.00104 and 0.00109.
gnomAD v4.1: 1,239 of 1,426,158 alleles (0.087%); highest among the groups gnomAD compares: Non-Finnish European, 0.098%; 1 homozygote.

Submission:

CeGaT Center for Human Genetics Tuebingen
Classification: Benign. Last evaluated: 2022-05-01. Review status: criteria provided, single submitter. Criteria: CeGaT Center For Human Genetics Tuebingen Variant Classification Criteria Version 2. Collection method: clinical testing. Allele origin: germline. Affected: yes. Observed: 2 variant alleles.
Comment: CDC42: BS1, BS2